The following is an entry in ClinVar:

NM_002439.5(MSH3):c.2570T>G (p.Ile857Ser)

Gene: MSH3 (mutS homolog 3; plus strand). Cytogenetic location: 5q14.1.
Variant type: single nucleotide variant.
Coding change: c.2570T>G on transcript NM_002439.5 (MANE Select); coding-DNA position 2570, T replaced by G.
Protein change: p.Ile857Ser; replaces isoleucine 857 with serine.
Molecular consequence: missense variant.
Genome position (GRCh38, 1-based): chr5:80,792,759, T>G. VCF-style: chr5-80792759-T-G. GRCh37 (hg19) VCF-style: chr5-80088578-T-G.
Other names: short protein forms I857S.
Identifiers: ClinVar variation 1793245 (VCV001793245.3), dbSNP rs2112026685, ClinGen allele CA360272884.

ClinVar aggregate classification (germline): Uncertain significance (1 of 4 stars; one submission).

Conditions:
Hereditary cancer-predisposing syndrome. Also called: Tumor predisposition; Hereditary Cancer Syndrome; Neoplastic Syndromes, Hereditary; Hereditary neoplastic syndrome. Identifiers: Orphanet 140162, MedGen C0027672, MeSH D009386, MONDO:0015356.

Submission:

Ambry Genetics
Classification: Uncertain significance for Hereditary cancer-predisposing syndrome. Last evaluated: 2025-02-16. Review status: criteria provided, single submitter. Criteria: Ambry Variant Classification Scheme 2023. Collection method: clinical testing. Allele origin: germline.
Comment: The p.I857S variant (also known as c.2570T>G), located in coding exon 19 of the MSH3 gene, results from a T to G substitution at nucleotide position 2570. The isoleucine at codon 857 is replaced by serine, an amino acid with dissimilar properties. This amino acid position is highly conserved in available vertebrate species. In addition, this alteration is predicted to be deleterious by in silico analysis. Since supporting evidence is limited at this time, the clinical significance of this alteration remains unclear.